The following is an entry in ClinVar:

NM_000465.4(BARD1):c.2171C>A (p.Ala724Glu)

Gene: BARD1 (BRCA1 associated RING domain 1; minus strand). Cytogenetic location: 2q35.
Variant type: single nucleotide variant.
Coding change: c.2171C>A on transcript NM_000465.4 (MANE Select); coding-DNA position 2171, C replaced by A.
Protein change: p.Ala724Glu; replaces alanine 724 with glutamic acid.
Molecular consequence: missense variant. On other transcripts: non-coding transcript variant (3).
Genome position (GRCh38, 1-based): chr2:214,728,839, G>T on the plus strand (C>A on the coding strand, the complement: BARD1 is on the minus strand). VCF-style: chr2-214728839-G-T. GRCh37 (hg19) VCF-style: chr2-215593563-G-T.
Other names: c.2114C>A, p.Ala705Glu (NM_001282543.2); c.818C>A, p.Ala273Glu (NM_001282545.2); c.761C>A, p.Ala254Glu (NM_001282548.2); c.632C>A, p.Ala211Glu (NM_001282549.2); short protein forms A211E, A705E, A273E, A724E, A254E.
Identifiers: ClinVar variation 1367834 (VCV001367834.9), dbSNP rs587782662, ClinGen allele CA350450390.

ClinVar aggregate classification (germline): Uncertain significance. Review status: criteria provided, multiple submitters, no conflicts (2 of 4 stars). 2 submissions from 2 submitters: Uncertain significance (2). Last evaluated 2022-09-13.

Conditions:
Hereditary cancer-predisposing syndrome. Also called: Neoplastic Syndromes, Hereditary; Tumor predisposition; Hereditary neoplastic syndrome; Hereditary Cancer Syndrome. Identifiers: Orphanet 140162, MedGen C0027672, MeSH D009386, MONDO:0015356.
Familial cancer of breast. Also called: BREAST CANCER, FAMILIAL; Hereditary breast cancer; hereditary breast carcinoma. Identifiers: Orphanet 227535, MedGen C0346153, MONDO:0016419, OMIM 114480. Disease mechanism: loss of function.

Submissions (2):

Ambry Genetics
Classification: Uncertain significance for Hereditary cancer-predisposing syndrome. Last evaluated: 2022-09-13. Review status: criteria provided, single submitter. Criteria: Ambry Variant Classification Scheme 2023. Collection method: clinical testing. Allele origin: germline.
Comment: The p.A724E variant (also known as c.2171C>A), located in coding exon 11 of the BARD1 gene, results from a C to A substitution at nucleotide position 2171. The alanine at codon 724 is replaced by glutamic acid, an amino acid with dissimilar properties. This amino acid position is conserved. In addition, this alteration is predicted to be deleterious by in silico analysis. Since supporting evidence is limited at this time, the clinical significance of this alteration remains unclear.

Labcorp Genetics (formerly Invitae), Labcorp
Classification: Uncertain significance for Familial cancer of breast. Last evaluated: 2022-02-18. Review status: criteria provided, single submitter. Criteria: Invitae Variant Classification Sherloc (09022015). Collection method: clinical testing. Allele origin: germline.
Comment: In summary, the available evidence is currently insufficient to determine the role of this variant in disease. Therefore, it has been classified as a Variant of Uncertain Significance. Algorithms developed to predict the effect of missense changes on protein structure and function (SIFT, PolyPhen-2, Align-GVGD) all suggest that this variant is likely to be disruptive. This variant has not been reported in the literature in individuals affected with BARD1-related conditions. This variant is not present in population databases (gnomAD no frequency). This sequence change replaces alanine, which is neutral and non-polar, with glutamic acid, which is acidic and polar, at codon 724 of the BARD1 protein (p.Ala724Glu).